The following is an entry in ClinVar:

ClinVar aggregate classification (germline): Pathogenic. Review status: criteria provided, multiple submitters, no conflicts (2 of 4 stars). 2 submissions from 2 submitters: Pathogenic (2). Last evaluated 2024-10-30.

Conditions:
Breast-ovarian cancer, familial, susceptibility to, 2 (BROVCA2). Also called: BRCA2 Hereditary Breast and Ovarian Cancer. Identifiers: Orphanet 145, MedGen C2675520, MONDO:0012933, OMIM 612555. Disease mechanism: loss of function.
Hereditary breast ovarian cancer syndrome. Also called: Hereditary breast and ovarian cancer; Hereditary breast and ovarian cancer syndrome (HBOC); Breast and ovarian cancer; BRCA1- and BRCA2-Associated Hereditary Breast and Ovarian Cancer; Hereditary breast and/or ovarian cancer syndrome; Hereditary breast and ovarian cancer syndrome. Identifiers: Orphanet 145, MedGen C0677776, MeSH D061325, MONDO:0003582. Disease mechanism: loss of function.

Submissions (2):

Myriad Genetics, Inc.
Classification: Pathogenic for Breast-ovarian cancer, familial, susceptibility to, 2. Last evaluated: 2024-10-30. Review status: criteria provided, single submitter. Criteria: Myriad Autosomal Dominant, Autosomal Recessive and X-Linked Classification Criteria (2023). Collection method: clinical testing. Allele origin: unknown.
Comment: This variant is considered pathogenic. This variant creates a termination codon and is predicted to result in premature protein truncation.

Labcorp Genetics (formerly Invitae), Labcorp
Classification: Pathogenic for Hereditary breast ovarian cancer syndrome. Last evaluated: 2021-06-21. Review status: criteria provided, single submitter. Criteria: Invitae Variant Classification Sherloc (09022015). Collection method: clinical testing. Allele origin: germline.
Comment: For these reasons, this variant has been classified as Pathogenic. This variant has not been reported in the literature in individuals with BRCA2-related conditions. This variant is not present in population databases (ExAC no frequency). This sequence change creates a premature translational stop signal (p.Tyr761*) in the BRCA2 gene. It is expected to result in an absent or disrupted protein product. Loss-of-function variants in BRCA2 are known to be pathogenic (PMID: 20104584).

Literature cited by the submitters: PubMed 20104584 (cited by Labcorp Genetics (formerly Invitae), Labcorp).

NM_000059.4(BRCA2):c.2283T>A (p.Tyr761Ter)

Gene: BRCA2 (BRCA2 DNA repair associated; plus strand). Cytogenetic location: 13q13.1.
Variant type: single nucleotide variant.
Coding change: c.2283T>A on transcript NM_000059.4 (MANE Select); coding-DNA position 2283, T replaced by A.
Protein change: p.Tyr761Ter; replaces tyrosine 761 with a stop codon.
Molecular consequence: nonsense.
Genome position (GRCh38, 1-based): chr13:32,336,638, T>A. VCF-style: chr13-32336638-T-A. GRCh37 (hg19) VCF-style: chr13-32910775-T-A.
Other names: short protein forms Y761*.
Identifiers: ClinVar variation 1380840 (VCV001380840.7), dbSNP rs925988904, ClinGen allele CA387771150.